The following is an entry in ClinVar:

NM_005188.4(CBL):c.1601C>T (p.Pro534Leu)

Gene: CBL (Cbl proto-oncogene; plus strand). Cytogenetic location: 11q23.3.
Variant type: single nucleotide variant.
Coding change: c.1601C>T on transcript NM_005188.4 (MANE Select); coding-DNA position 1601, C replaced by T.
Protein change: p.Pro534Leu; replaces proline 534 with leucine.
Molecular consequence: missense variant.
Genome position (GRCh38, 1-based): chr11:119,285,226, C>T. VCF-style: chr11-119285226-C-T. GRCh37 (hg19) VCF-style: chr11-119155936-C-T.
Other names: short protein forms P534L.
Identifiers: ClinVar variation 2587224 (VCV002587224.2), dbSNP rs1949972660, ClinGen allele CA382919084.

ClinVar aggregate classification (germline): Uncertain significance (1 of 4 stars; one submission).

Conditions:
Cardiovascular phenotype. Identifiers: MedGen CN230736.

Submission:

Ambry Genetics
Classification: Uncertain significance for Cardiovascular phenotype. Last evaluated: 2023-08-03. Review status: criteria provided, single submitter. Criteria: Ambry Variant Classification Scheme 2023. Collection method: clinical testing. Allele origin: germline.
Comment: The p.P534L variant (also known as c.1601C>T), located in coding exon 11 of the CBL gene, results from a C to T substitution at nucleotide position 1601. The proline at codon 534 is replaced by leucine, an amino acid with similar properties. This amino acid position is conserved. In addition, the in silico prediction for this alteration is inconclusive. Since supporting evidence is limited at this time, the clinical significance of this alteration remains unclear.